The following is an entry in ClinVar:

NM_024915.4(GRHL2):c.277G>T (p.Glu93Ter)

Gene: GRHL2 (grainyhead like transcription factor 2; plus strand). Cytogenetic location: 8q22.3.
Variant type: single nucleotide variant.
Coding change: c.277G>T on transcript NM_024915.4 (MANE Select); coding-DNA position 277, G replaced by T.
Protein change: p.Glu93Ter; replaces glutamic acid 93 with a stop codon.
Molecular consequence: nonsense.
Genome position (GRCh38, 1-based): chr8:101,552,775, G>T. VCF-style: chr8-101552775-G-T. GRCh37 (hg19) VCF-style: chr8-102565003-G-T.
Other names: c.229G>T, p.Glu77Ter (NM_001330593.2, NM_001440448.1); c.277G>T, p.Glu93Ter (NM_001440447.1); short protein forms E93*, E77*.
Identifiers: ClinVar variation 4998568 (VCV004998568.1).

ClinVar aggregate classification (germline): Uncertain significance (1 of 4 stars; one submission).

Conditions:
GRHL2-related disorder. Also called: GRHL2-related condition; GRHL2-related disorders.

Submission:

PreventionGenetics, part of Exact Sciences
Classification: Uncertain significance for GRHL2-related condition. Last evaluated: 2025-02-10. Review status: criteria provided, single submitter. Criteria: ACMG Guidelines, 2015. Collection method: clinical testing. Allele origin: germline.
Comment: The GRHL2 c.277G>T variant is predicted to result in premature protein termination (p.Glu93*). To our knowledge, this variant has not been reported in the literature or in a large population database (gnomAD), indicating this variant is rare. A small number of sequence variants resulting in premature termination have been reported to segregate with autosomal dominant hearing loss in several large families (Peters. 2002. PubMed ID: 12393799; Vona. 2013. PubMed ID: 23813623; Wu. 2020. PubMed ID: 32048449; Trebusak Podkrajsek. 2021. PubMed ID: 33810548), and this gene is predicted to be intolerant loss of function variants. However, no premature termination variants have been reported upstream of or in the same exon as this variant. Although we suspect that this variant may be pathogenic, at this time, the clinical significance of this variant is uncertain due to the absence of conclusive functional and genetic evidence.